The following is an entry in ClinVar:

NM_001365999.1(SZT2):c.2635A>G (p.Thr879Ala)

Gene: SZT2 (SZT2 subunit of KICSTOR complex; plus strand). Cytogenetic location: 1p34.2.
Variant type: single nucleotide variant.
Coding change: c.2635A>G on transcript NM_001365999.1 (MANE Select); coding-DNA position 2635, A replaced by G.
Protein change: p.Thr879Ala; replaces threonine 879 with alanine.
Molecular consequence: missense variant.
Genome position (GRCh38, 1-based): chr1:43,425,197, A>G. VCF-style: chr1-43425197-A-G. GRCh37 (hg19) VCF-style: chr1-43890868-A-G.
Other names: c.2635A>G, p.Thr879Ala (NM_015284.4); short protein forms T879A.
Identifiers: ClinVar variation 4803904 (VCV004803904.1).
Genomic context (GRCh38, chr1:43,425,197, plus strand): 5'-GCTGAAGAGAAGCACACCTGTGTTGTCCAGTACATCCTCTTCCCCCCACACTCTACCTCC[A>G]CCAAAGACAGGTGAGACAGGCCATCTGTGAGGGCCGCCTCTGCAGAGTCAGCCTTCTCCC-3'
Protein context (NP_001352928.1, residues 869-889): YILFPPHSTS[Thr879Ala]KDSFSTDDDN

ClinVar aggregate classification (germline): Uncertain significance (1 of 4 stars; one submission).

Submission:

Labcorp Genetics (formerly Invitae), Labcorp
Classification: Uncertain significance. Last evaluated: 2025-01-31. Review status: criteria provided, single submitter. Criteria: Invitae Variant Classification Sherloc (09022015). Collection method: clinical testing. Allele origin: germline.
Comment: This sequence change replaces threonine, which is neutral and polar, with alanine, which is neutral and non-polar, at codon 879 of the SZT2 protein (p.Thr879Ala). This variant is not present in population databases (gnomAD no frequency). This variant has not been reported in the literature in individuals affected with SZT2-related conditions. Invitae Evidence Modeling of protein sequence and biophysical properties (such as structural, functional, and spatial information, amino acid conservation, physicochemical variation, residue mobility, and thermodynamic stability) indicates that this missense variant is not expected to disrupt SZT2 protein function with a negative predictive value of 80%. In summary, the available evidence is currently insufficient to determine the role of this variant in disease. Therefore, it has been classified as a Variant of Uncertain Significance.